The following is an entry in ClinVar:

NM_000093.5(COL5A1):c.1475T>C (p.Val492Ala)

Gene: COL5A1 (collagen type V alpha 1 chain; plus strand). Cytogenetic location: 9q34.3.
Variant type: single nucleotide variant.
Coding change: c.1475T>C on transcript NM_000093.5 (MANE Select); coding-DNA position 1475, T replaced by C.
Protein change: p.Val492Ala; replaces valine 492 with alanine.
Molecular consequence: missense variant.
Genome position (GRCh38, 1-based): chr9:134,738,789, T>C. VCF-style: chr9-134738789-T-C. GRCh37 (hg19) VCF-style: chr9-137630635-T-C.
Other names: c.1475T>C, p.Val492Ala (NM_001278074.1); short protein forms V492A.
Identifiers: ClinVar variation 2809315 (VCV002809315.3), dbSNP rs2490536516, ClinGen allele CA375441352.

ClinVar aggregate classification (germline): Uncertain significance (1 of 4 stars; one submission).

Conditions:
Ehlers-Danlos syndrome, classic type, 1 (EDSCL1). Also called: EHLERS-DANLOS SYNDROME, GRAVIS TYPE; EHLERS-DANLOS SYNDROME, SEVERE CLASSIC TYPE; Ehlers-Danlos syndrome, type 1; Ehlers-Danlos Syndrome, Classic Type, COL5A1-Related; EDS I. Identifiers: MedGen C0268335, MONDO:0019567, OMIM 130000.

Submission:

Labcorp Genetics (formerly Invitae), Labcorp
Classification: Uncertain significance for Ehlers-Danlos syndrome, classic type, 1. Last evaluated: 2023-03-19. Review status: criteria provided, single submitter. Criteria: Invitae Variant Classification Sherloc (09022015). Collection method: clinical testing. Allele origin: germline.
Comment: This sequence change replaces valine, which is neutral and non-polar, with alanine, which is neutral and non-polar, at codon 492 of the COL5A1 protein (p.Val492Ala). This variant is not present in population databases (gnomAD no frequency). This variant has not been reported in the literature in individuals affected with COL5A1-related conditions. Advanced modeling of protein sequence and biophysical properties (such as structural, functional, and spatial information, amino acid conservation, physicochemical variation, residue mobility, and thermodynamic stability) performed at Invitae indicates that this missense variant is not expected to disrupt COL5A1 protein function. In summary, the available evidence is currently insufficient to determine the role of this variant in disease. Therefore, it has been classified as a Variant of Uncertain Significance.